The following is an entry in ClinVar:

ClinVar aggregate classification (germline): Uncertain significance (1 of 4 stars; one submission).

Conditions:
Combined immunodeficiency due to DOCK8 deficiency (HIES2). Also called: HIES autosomal recessive; DOCK8 Deficiency; HYPER-IgE RECURRENT INFECTION SYNDROME 2, AUTOSOMAL RECESSIVE; HYPER-IgE SYNDROME 2, AUTOSOMAL RECESSIVE, WITH RECURRENT INFECTIONS; Hyper-IgE recurrent infection syndrome, autosomal recessive. Identifiers: Orphanet 217390, MedGen C4722305, MONDO:0009478, OMIM 243700.

Allele frequency attached by ClinVar (database versions not stated): TOPMed below 0.00001.
gnomAD v4.1: 3 of 1,614,174 alleles (0.00019%); highest among the groups gnomAD compares: African/African-American, 0.0027%; no homozygotes.

Submission:

Labcorp Genetics (formerly Invitae), Labcorp
Classification: Uncertain significance for Combined immunodeficiency due to DOCK8 deficiency. Last evaluated: 2024-02-17. Review status: criteria provided, single submitter. Criteria: Invitae Variant Classification Sherloc (09022015). Collection method: clinical testing. Allele origin: germline.
Comment: This sequence change replaces valine, which is neutral and non-polar, with methionine, which is neutral and non-polar, at codon 891 of the DOCK8 protein (p.Val891Met). This variant is not present in population databases (gnomAD no frequency). This variant has not been reported in the literature in individuals affected with DOCK8-related conditions. ClinVar contains an entry for this variant (Variation ID: 847418). Advanced modeling of protein sequence and biophysical properties (such as structural, functional, and spatial information, amino acid conservation, physicochemical variation, residue mobility, and thermodynamic stability) performed at Invitae indicates that this missense variant is not expected to disrupt DOCK8 protein function with a negative predictive value of 80%. In summary, the available evidence is currently insufficient to determine the role of this variant in disease. Therefore, it has been classified as a Variant of Uncertain Significance.

NM_203447.4(DOCK8):c.2671G>A (p.Val891Met)

Gene: DOCK8 (dedicator of cytokinesis 8; plus strand). Cytogenetic location: 9p24.3.
Variant type: single nucleotide variant.
Coding change: c.2671G>A on transcript NM_203447.4 (MANE Select); coding-DNA position 2671, G replaced by A.
Protein change: p.Val891Met; replaces valine 891 with methionine.
Molecular consequence: missense variant.
Genome position (GRCh38, 1-based): chr9:382,578, G>A. VCF-style: chr9-382578-G-A. GRCh37 (hg19) VCF-style: chr9-382578-G-A.
Other names: c.2467G>A, p.Val823Met (NM_001190458.2, NM_001193536.2); short protein forms V823M, V891M.
Identifiers: ClinVar variation 847418 (VCV000847418.10), dbSNP rs902287424, ClinGen allele CA187820019.